The following is an entry in ClinVar:

ClinVar aggregate classification (germline): Benign (0 of 4 stars; one submission).

Conditions:
IFT74-related disorder. Also called: IFT74-Related Disorders; IFT74-related condition.

Allele frequency attached by ClinVar (database versions not stated): gnomAD exomes 0.00095; ExAC 0.00338; 1000 Genomes Project 30x 0.00984; 1000 Genomes Project 0.00998; gnomAD 0.01051; TOPMed 0.01187; ESP Exome Variant Server 0.01409.
gnomAD v4.1: 3,027 of 1,613,760 alleles (0.19%); highest among the groups gnomAD compares: African/African-American, 3.7%; 55 homozygotes.

Submission:

PreventionGenetics, part of Exact Sciences
Classification: Benign for IFT74-related condition. Last evaluated: 2019-06-11. Review status: no assertion criteria provided. Collection method: clinical testing. Allele origin: germline.
Comment: This variant is classified as benign based on ACMG/AMP sequence variant interpretation guidelines (Richards et al. 2015 PMID: 25741868, with internal and published modifications).

NM_025103.4(IFT74):c.1054+7371A>G

Gene: IFT74 (intraflagellar transport 74; plus strand). Cytogenetic location: 9p21.2.
Variant type: single nucleotide variant.
Coding change: c.1054+7371A>G on transcript NM_025103.4 (MANE Select); 7371 bases into the intron after coding-DNA position 1054, A replaced by G.
Molecular consequence: intron variant. On other transcripts: missense variant (1).
Genome position (GRCh38, 1-based): chr9:27,036,475, A>G. VCF-style: chr9-27036475-A-G. GRCh37 (hg19) VCF-style: chr9-27036473-A-G.
Other names: c.1080A>G, p.Ile360Met (NM_001099224.3); c.1054+7371A>G (NM_001099223.3, NM_001099222.3, NM_001349928.2); short protein forms I360M.
Identifiers: ClinVar variation 3060791 (VCV003060791.2), dbSNP rs73438216, ClinGen allele CA5015512.
Genomic context (GRCh38, chr9:27,036,475, plus strand): 5'-TCAATTCTTTGTACCCACGGGTTCTTCATCTGCAGATCCTACCAACTATGGATGGAAAAT[A>G]CTTGAAAAAAATACAGGAAGTTTCAAAAAGCAAGTTTGAACCTGCCATGTGCTAAGCACT-3'